The following is an entry in ClinVar:

NM_139276.3(STAT3):c.645+6G>A

Gene: STAT3 (signal transducer and activator of transcription 3; minus strand). Cytogenetic location: 17q21.2.
Variant type: single nucleotide variant.
Coding change: c.645+6G>A on transcript NM_139276.3 (MANE Select); 6 bases into the intron after coding-DNA position 645, G replaced by A.
Molecular consequence: intron variant.
Genome position (GRCh38, 1-based): chr17:42,337,757, C>T on the plus strand (G>A on the coding strand, the complement: STAT3 is on the minus strand). VCF-style: chr17-42337757-C-T. GRCh37 (hg19) VCF-style: chr17-40489775-C-T.
Other names: c.549+6G>A (NM_001384989.1); c.645+6G>A (NM_001384992.1, NM_001384984.1, NM_001369519.1 and 15 more transcripts); c.567+6G>A (NM_001384985.1).
Identifiers: ClinVar variation 1512882 (VCV001512882.6), dbSNP rs766072381, ClinGen allele CA8575591.

ClinVar aggregate classification (germline): Uncertain significance (1 of 4 stars; one submission).

Conditions:
Hyper-IgE recurrent infection syndrome 1, autosomal dominant. Also called: STAT3 Hyper IgE Syndrome; HYPER-IgE SYNDROME 1, AUTOSOMAL DOMINANT, WITH RECURRENT INFECTIONS; Hyper-IgE recurrent infection syndrome 1; JOB SYNDROME; Job's Syndrome. Identifiers: Orphanet 2314, MedGen C2936739, MONDO:0007818, OMIM 147060.
STAT3 gain of function. Identifiers: MedGen C4288261.

Allele frequency attached by ClinVar (database versions not stated): gnomAD exomes below 0.00001 and 0.00001; ExAC 0.00002.
gnomAD v4.1: 6 of 1,614,194 alleles (0.00037%); highest among the groups gnomAD compares: South Asian, 0.0066%; no homozygotes.

Submission:

Labcorp Genetics (formerly Invitae), Labcorp
Classification: Uncertain significance for STAT3 gain of function; Hyper-IgE recurrent infection syndrome 1, autosomal dominant. Last evaluated: 2024-02-17. Review status: criteria provided, single submitter. Criteria: Invitae Variant Classification Sherloc (09022015). Collection method: clinical testing. Allele origin: germline.
Comment: This sequence change falls in intron 7 of the STAT3 gene. It does not directly change the encoded amino acid sequence of the STAT3 protein. It affects a nucleotide within the consensus splice site. This variant is present in population databases (rs766072381, gnomAD 0.01%). This variant has not been reported in the literature in individuals affected with STAT3-related conditions. ClinVar contains an entry for this variant (Variation ID: 1512882). Variants that disrupt the consensus splice site are a relatively common cause of aberrant splicing (PMID: 17576681, 9536098). Algorithms developed to predict the effect of sequence changes on RNA splicing suggest that this variant is not likely to affect RNA splicing. In summary, the available evidence is currently insufficient to determine the role of this variant in disease. Therefore, it has been classified as a Variant of Uncertain Significance.

Literature cited by the submitters: PubMed 17576681; PubMed 9536098.